The following is an entry in ClinVar:

NM_000179.3(MSH6):c.4055_4069dup (p.Leu1356_Ile1357insLysLeuLeuThrLeu)

Gene: MSH6 (mutS homolog 6; plus strand). Cytogenetic location: 2p16.3.
Variant type: Duplication.
Coding change: c.4055_4069dup on transcript NM_000179.3 (MANE Select); coding-DNA positions 4055 to 4069, 15 bases duplicated (AATTGCTGACTTTGA).
Protein change: p.Leu1356_Ile1357insLysLeuLeuThrLeu.
Molecular consequence: inframe insertion. On other transcripts: 3 prime UTR variant (5), non-coding transcript variant (5).
Genome position (GRCh38, 1-based): chr2:47,806,832-47,806,846, AATTGCTGACTTTGA duplicated; duplicating any 15 consecutive bases within chr2:47,806,831-47,806,846 gives the same sequence; the c. name uses the placement nearest the transcript's 3' end. VCF-style (leftmost placement, unchanged base first): chr2-47806830-T-TAAATTGCTGACTTTG. GRCh37 (hg19) VCF-style: chr2-48033969-T-TAAATTGCTGACTTTG.
Other names: c.3665_3679dup, p.Leu1226_Ile1227insLysLeuLeuThrLeu (NM_001281492.2); c.3149_3163dup, p.Leu1054_Ile1055insLysLeuLeuThrLeu (NM_001281493.2, NM_001281494.2, NM_001406811.1 and 6 more transcripts); c.4151_4165dup, p.Leu1388_Ile1389insLysLeuLeuThrLeu (NM_001406795.1); c.4055_4069dup, p.Leu1356_Ile1357insLysLeuLeuThrLeu (NM_001406796.1, NM_001406809.1); c.3758_3772dup, p.Leu1257_Ile1258insLysLeuLeuThrLeu (NM_001406797.1, NM_001406805.1, NM_001406818.1 and 8 more transcripts); c.3881_3895dup, p.Leu1298_Ile1299insLysLeuLeuThrLeu (NM_001406798.1); c.3530_3544dup, p.Leu1181_Ile1182insLysLeuLeuThrLeu (NM_001406799.1, NM_001406806.1, NM_001406807.1); c.*76_*90dup (NM_001406800.1); and 9 more.
Identifiers: ClinVar variation 4710697 (VCV004710697.1).

ClinVar aggregate classification (germline): Uncertain significance (1 of 4 stars; one submission).

Conditions:
Hereditary nonpolyposis colorectal neoplasms. Identifiers: MedGen C0009405, MeSH D003123.

Submission:

Labcorp Genetics (formerly Invitae), Labcorp
Classification: Uncertain significance for Hereditary nonpolyposis colorectal neoplasms. Last evaluated: 2025-03-05. Review status: criteria provided, single submitter. Criteria: Invitae Variant Classification Sherloc (09022015). Collection method: clinical testing. Allele origin: germline.
Comment: This variant, c.4055_4069dup, results in the insertion of 5 amino acid(s) of the MSH6 protein (p.Lys1352_Leu1356dup), but otherwise preserves the integrity of the reading frame. This variant is not present in population databases (gnomAD no frequency). This variant has been observed in individual(s) with breast cancer (PMID: 35449176). Experimental studies and prediction algorithms are not available or were not evaluated, and the functional significance of this variant is currently unknown. In summary, the available evidence is currently insufficient to determine the role of this variant in disease. Therefore, it has been classified as a Variant of Uncertain Significance.

Literature cited by the submitters: PubMed 35449176.